The following is an entry in ClinVar:

NM_002890.3(RASA1):c.2125C>T (p.Arg709Ter)

Genes: CCNH (cyclin H; minus strand), RASA1 (RAS p21 protein activator 1; plus strand). Cytogenetic location: 5q14.3.
Variant type: single nucleotide variant.
Coding change: c.2125C>T on transcript NM_002890.3 (MANE Select); coding-DNA position 2125, C replaced by T.
Protein change: p.Arg709Ter; replaces arginine 709 with a stop codon.
Molecular consequence: nonsense. On other transcripts: intron variant (1).
Genome position (GRCh38, 1-based): chr5:87,376,506, C>T. VCF-style: chr5-87376506-C-T. GRCh37 (hg19) VCF-style: chr5-86672323-C-T.
Other names: c.1594C>T, p.Arg532Ter (NM_022650.3); c.933+18538G>A (NM_001364075.2); short protein forms R709*, R532*.
Identifiers: ClinVar variation 449560 (VCV000449560.14), dbSNP rs1554049422, ClinGen allele CA360379150.

ClinVar aggregate classification (germline): Pathogenic. Review status: criteria provided, multiple submitters, no conflicts (2 of 4 stars). 4 submissions from 4 submitters: Pathogenic (4). Last evaluated 2026-01-21.

Conditions:
Capillary malformation-arteriovenous malformation syndrome. Also called: Capillary malformation-arteriovenous malformation. Identifiers: Orphanet 137667, MedGen C1842180, MONDO:0012016.
Cardiovascular phenotype. Identifiers: MedGen CN230736.
Capillary malformation-arteriovenous malformation 1 (CMAVM1). Identifiers: Orphanet 137667, Orphanet 693907, MedGen C4747394, MONDO:0020783, OMIM 608354.

Submissions (4):

Labcorp Genetics (formerly Invitae), Labcorp
Classification: Pathogenic for Capillary malformation-arteriovenous malformation syndrome. Last evaluated: 2026-01-21. Review status: criteria provided, single submitter. Criteria: Invitae Variant Classification Sherloc (09022015). Collection method: clinical testing. Allele origin: germline.
Comment: This sequence change creates a premature translational stop signal (p.Arg709*) in the RASA1 gene. It is expected to result in an absent or disrupted protein product. Loss-of-function variants in RASA1 are known to be pathogenic (PMID: 24038909). This variant is not present in population databases (gnomAD no frequency). This premature translational stop signal has been observed in individuals with capillary malformation-arteriovenous malformations (CM-AVM) (PMID: 18446851, 24038909, 26499346, 29024832). ClinVar contains an entry for this variant (Variation ID: 449560). Algorithms developed to predict the effect of sequence changes on RNA splicing suggest that this variant may disrupt the consensus splice site. For these reasons, this variant has been classified as Pathogenic.

Ambry Genetics
Classification: Pathogenic for Cardiovascular phenotype. Last evaluated: 2025-06-18. Review status: criteria provided, single submitter. Criteria: Ambry Variant Classification Scheme 2023. Collection method: clinical testing. Allele origin: germline.
Comment: The p.R709* pathogenic mutation (also known as c.2125C>T), located in coding exon 16 of the RASA1 gene, results from a C to T substitution at nucleotide position 2125. This changes the amino acid from an arginine to a stop codon within coding exon 16. This variant was identified in one or more individuals with features consistent with RASA1-related capillary malformation-arteriovenous malformation syndrome and segregated with disease in at least one family (Revencu N et al. Hum Mutat, 2008 Jul;29:959-65; Grillner P et al. Childs Nerv Syst, 2016 Apr;32:709-15; Lapinski PE et al. Eur J Med Genet, 2018 Jan;61:11-16; Ambry internal data). This variant is considered to be rare based on population cohorts in the Genome Aggregation Database (gnomAD). This alteration is expected to result in loss of function by premature protein truncation or nonsense-mediated mRNA decay. As such, this alteration is interpreted as a disease-causing mutation.

GeneDx
Classification: Pathogenic. Last evaluated: 2025-06-06. Review status: criteria provided, single submitter. Criteria: GeneDx Variant Classification Process June 2021. Collection method: clinical testing. Allele origin: germline. Affected: yes.
Comment: Nonsense variant predicted to result in protein truncation or nonsense mediated decay in a gene for which loss of function is a known mechanism of disease; Not observed at significant frequency in large population cohorts (gnomAD); This variant is associated with the following publications: (PMID: 24038909, 25525159, 18446851, 26499346, 35228337, Willaert_2024, 30578106, 29024832)

3billion
Classification: Pathogenic for Capillary malformation-arteriovenous malformation 1. Last evaluated: 2024-11-25. Review status: criteria provided, single submitter. Criteria: ACMG Guidelines, 2015. Collection method: clinical testing. Allele origin: germline. Affected: yes.
Comment: The variant is not observed in the gnomAD v4.1.0 dataset. Predicted Consequence/Location: Stop-gained (nonsense): predicted to result in a loss or disruption of normal protein function through nonsense-mediated decay (NMD) or protein truncation. Multiple pathogenic variants are reported downstream of the variant. In silico tools predict the variant to alter splicing and produce an abnormal transcript [SpliceAI: 0.27 (spliceogenicity >=0.2, non-spliceogenicity <0.1)]. The variant has been reported at least twice as pathogenic without evidence for the classification (ClinVar ID: VCV000449560 /PMID: 18446851). Therefore, this variant is classified as Pathogenic according to the recommendation of ACMG/AMP guideline.

Literature cited by the submitters: PubMed 24038909 (cited by Labcorp Genetics (formerly Invitae), Labcorp); PubMed 18446851 (cited by 3 submitters); PubMed 26499346 (cited by Labcorp Genetics (formerly Invitae), Labcorp and Ambry Genetics); PubMed 29024832 (cited by Labcorp Genetics (formerly Invitae), Labcorp and Ambry Genetics).